The following is an entry in ClinVar:

ClinVar aggregate classification (germline): Uncertain significance. Review status: criteria provided, multiple submitters, no conflicts (2 of 4 stars). 2 submissions from 2 submitters: Uncertain significance (2). Last evaluated 2022-01-02.

Conditions:
Wolcott-Rallison dysplasia. Also called: MED-IDDM SYNDROME; Wolcott-Rallison syndrome. Identifiers: Orphanet 1667, MedGen C0432217, MONDO:0009192, OMIM 226980.

Allele frequency attached by ClinVar (database versions not stated): TOPMed 0.00005.

Submissions (2):

Labcorp Genetics (formerly Invitae), Labcorp
Classification: Uncertain significance. Last evaluated: 2022-01-02. Review status: criteria provided, single submitter. Criteria: Invitae Variant Classification Sherloc (09022015). Collection method: clinical testing. Allele origin: germline.
Comment: This sequence change replaces leucine, which is neutral and non-polar, with arginine, which is basic and polar, at codon 18 of the EIF2AK3 protein (p.Leu18Arg). This variant is not present in population databases (gnomAD no frequency). This variant has not been reported in the literature in individuals affected with EIF2AK3-related conditions. ClinVar contains an entry for this variant (Variation ID: 897079). Algorithms developed to predict the effect of missense changes on protein structure and function are either unavailable or do not agree on the potential impact of this missense change (SIFT: "Tolerated"; PolyPhen-2: "Not Available"; Align-GVGD: "Class C0"). In summary, the available evidence is currently insufficient to determine the role of this variant in disease. Therefore, it has been classified as a Variant of Uncertain Significance.

Illumina Laboratory Services, Illumina
Classification: Uncertain significance for Wolcott-Rallison dysplasia. Last evaluated: 2017-04-28. Review status: criteria provided, single submitter. Criteria: ICSL Variant Classification Criteria 13 December 2019. Collection method: clinical testing. Allele origin: germline.

NM_004836.7(EIF2AK3):c.53T>G (p.Leu18Arg)

Gene: EIF2AK3 (eukaryotic translation initiation factor 2 alpha kinase 3; minus strand). Cytogenetic location: 2p11.2.
Variant type: single nucleotide variant.
Coding change: c.53T>G on transcript NM_004836.7 (MANE Select); coding-DNA position 53, T replaced by G.
Protein change: p.Leu18Arg; replaces leucine 18 with arginine.
Molecular consequence: missense variant.
Genome position (GRCh38, 1-based): chr2:88,627,222, A>C on the plus strand (T>G on the coding strand, the complement: EIF2AK3 is on the minus strand). VCF-style: chr2-88627222-A-C. GRCh37 (hg19) VCF-style: chr2-88926740-A-C.
Other names: short protein forms L18R.
Identifiers: ClinVar variation 897079 (VCV000897079.5), dbSNP rs1045275032, ClinGen allele CA51963765.
Genomic context (GRCh38, chr2:88,627,222, plus strand): 5'-GCTGGGAGGCCACGGGCGCGCCCCGCGGCCACCGTCCTTGCCGCGAGCCCCAGCAGCAGC[A>C]GCAGCAGCAGCAGCGCCCGTACCAGCAGCCCCGGGCTGATGGCGCGCTCCATCAGCGTCC-3'
Protein context (NP_004827.4, residues 8-28): GLLVRALLLL[Leu18Arg]LLLGLAARTV